The following is an entry in ClinVar:

NM_002206.3(ITGA7):c.1601G>C (p.Arg534Pro)

Gene: ITGA7 (integrin subunit alpha 7; minus strand). Cytogenetic location: 12q13.2.
Variant type: single nucleotide variant.
Coding change: c.1601G>C on transcript NM_002206.3 (MANE Select); coding-DNA position 1601, G replaced by C.
Protein change: p.Arg534Pro; replaces arginine 534 with proline.
Molecular consequence: missense variant.
Genome position (GRCh38, 1-based): chr12:55,697,035, C>G on the plus strand (G>C on the coding strand, the complement: ITGA7 is on the minus strand). VCF-style: chr12-55697035-C-G. GRCh37 (hg19) VCF-style: chr12-56090819-C-G.
Other names: c.1613G>C, p.Arg538Pro (NM_001144996.2); c.1322G>C, p.Arg441Pro (NM_001144997.2); c.1274G>C, p.Arg425Pro (NM_001367993.1); c.257G>C, p.Arg86Pro (NM_001367994.1); c.1583G>C, p.Arg528Pro (NM_001374465.1); c.1733G>C, p.Arg578Pro (NM_001410977.1); c.1595G>C, p.Arg532Pro (NM_001414029.1); c.1526G>C, p.Arg509Pro (NM_001414030.1); and 5 more; short protein forms R425P, R538P, R86P, R441P, R528P, R534P, R578P, R473P.
Identifiers: ClinVar variation 1523093 (VCV001523093.8), dbSNP rs774516318, ClinGen allele CA6615886.

ClinVar aggregate classification (germline): Uncertain significance (1 of 4 stars; one submission).

Conditions:
Congenital muscular dystrophy due to integrin alpha-7 deficiency. Also called: Congenital muscular dystrophy with integrin alpha-7 deficiency; Muscular dystrophy, congenital, due to ITGA7 deficiency; MYOPATHY, CONGENITAL, DUE TO INTEGRIN ALPHA-7 DEFICIENCY. Identifiers: Orphanet 34520, MedGen C2750786, MONDO:0013177, OMIM 613204.

Submission:

Labcorp Genetics (formerly Invitae), Labcorp
Classification: Uncertain significance for Congenital muscular dystrophy due to integrin alpha-7 deficiency. Last evaluated: 2021-04-23. Review status: criteria provided, single submitter. Criteria: Invitae Variant Classification Sherloc (09022015). Collection method: clinical testing. Allele origin: germline.
Comment: In summary, the available evidence is currently insufficient to determine the role of this variant in disease. Therefore, it has been classified as a Variant of Uncertain Significance. Algorithms developed to predict the effect of missense changes on protein structure and function are either unavailable or do not agree on the potential impact of this missense change (SIFT: "Tolerated"; PolyPhen-2: "Probably Damaging"; Align-GVGD: "Class C0"). This variant has not been reported in the literature in individuals with ITGA7-related conditions. This variant is present in population databases (rs774516318, ExAC 0.002%). This sequence change replaces arginine with proline at codon 534 of the ITGA7 protein (p.Arg534Pro). The arginine residue is moderately conserved and there is a moderate physicochemical difference between arginine and proline.